The following is an entry in ClinVar:

ClinVar aggregate classification (germline): Conflicting classifications of pathogenicity. Review status: criteria provided, conflicting classifications (1 of 4 stars). 2 submissions from 2 submitters: Uncertain significance (1); Likely benign (1). Last evaluated 2023-12-14.

Conditions:
Cardiovascular phenotype. Identifiers: MedGen CN230736.
Alstrom syndrome (ALMS). Identifiers: Orphanet 64, MedGen C0268425, MONDO:0008763, OMIM 203800.

gnomAD v4.1: 1 of 1,614,102 alleles (0.000062%); highest among the groups gnomAD compares: Non-Finnish European, 0.000085%; no homozygotes.

Submissions (2):

Ambry Genetics
Classification: Likely benign for Cardiovascular phenotype. Last evaluated: 2023-12-14. Review status: criteria provided, single submitter. Criteria: Ambry Variant Classification Scheme 2023. Collection method: clinical testing. Allele origin: germline.

Labcorp Genetics (formerly Invitae), Labcorp
Classification: Uncertain significance for Alstrom syndrome. Last evaluated: 2023-10-28. Review status: criteria provided, single submitter. Criteria: Invitae Variant Classification Sherloc (09022015). Collection method: clinical testing. Allele origin: germline.
Comment: This sequence change replaces threonine, which is neutral and polar, with serine, which is neutral and polar, at codon 3369 of the ALMS1 protein (p.Thr3369Ser). This variant is not present in population databases (gnomAD no frequency). This variant has not been reported in the literature in individuals affected with ALMS1-related conditions. ClinVar contains an entry for this variant (Variation ID: 1471401). Experimental studies and prediction algorithms are not available or were not evaluated, and the functional significance of this variant is currently unknown. In summary, the available evidence is currently insufficient to determine the role of this variant in disease. Therefore, it has been classified as a Variant of Uncertain Significance.

NM_001378454.1(ALMS1):c.10103C>G (p.Thr3368Ser)

Gene: ALMS1 (ALMS1 centrosome and basal body associated protein; plus strand). Cytogenetic location: 2p13.1.
Variant type: single nucleotide variant.
Coding change: c.10103C>G on transcript NM_001378454.1 (MANE Select); coding-DNA position 10103, C replaced by G.
Protein change: p.Thr3368Ser; replaces threonine 3368 with serine.
Molecular consequence: missense variant.
Genome position (GRCh38, 1-based): chr2:73,557,244, C>G. VCF-style: chr2-73557244-C-G. GRCh37 (hg19) VCF-style: chr2-73784371-C-G.
Other names: c.10106C>G, p.Thr3369Ser (NM_015120.4); short protein forms T3369S, T3368S.
Identifiers: ClinVar variation 1471401 (VCV001471401.7), dbSNP rs1270212178, ClinGen allele CA347276236.